The following is an entry in ClinVar:

NM_025074.7(FRAS1):c.79_103dup (p.Leu35fs)

Gene: FRAS1 (Fraser extracellular matrix complex subunit 1; plus strand). Cytogenetic location: 4q21.21.
Variant type: Duplication.
Coding change: c.79_103dup on transcript NM_025074.7 (MANE Select); coding-DNA positions 79 to 103, 25 bases duplicated (GCTTGTGTCTATCAGGATTCCTTGT).
Protein change: p.Leu35fs; shifts the reading frame from leucine 35.
Molecular consequence: frameshift variant.
Genome position (GRCh38, 1-based): chr4:78,065,987-78,066,011, GCTTGTGTCTATCAGGATTCCTTGT duplicated; duplicating any 25 consecutive bases within chr4:78,065,985-78,066,011 gives the same sequence; the c. name uses the placement nearest the transcript's 3' end. VCF-style (leftmost placement, unchanged base first): chr4-78065984-G-GGTGCTTGTGTCTATCAGGATTCCTT. GRCh37 (hg19) VCF-style: chr4-78987138-G-GGTGCTTGTGTCTATCAGGATTCCTT.
Other names: c.79_103dup, p.Leu35fs (NM_001166133.2); short protein forms L35fs.
Identifiers: ClinVar variation 3590865 (VCV003590865.3).

ClinVar aggregate classification (germline): Pathogenic/Likely pathogenic. Review status: criteria provided, multiple submitters, no conflicts (2 of 4 stars). 2 submissions from 2 submitters: Pathogenic (1); Likely pathogenic (1). Last evaluated 2024-06-03.

Conditions:
Fraser syndrome 1 (FRASRS1). Also called: CRYPTOPHTHALMOS WITH OTHER MALFORMATIONS. Identifiers: Orphanet 2052, MedGen C4551480, MONDO:0054737, OMIM 219000.

Submissions (2):

Fulgent Genetics
Classification: Likely pathogenic for Fraser syndrome 1. Last evaluated: 2024-06-03. Review status: criteria provided, single submitter. Criteria: ACMG Guidelines, 2015. Collection method: clinical testing. Allele origin: germline.

Labcorp Genetics (formerly Invitae), Labcorp
Classification: Pathogenic. Last evaluated: 2024-02-26. Review status: criteria provided, single submitter. Criteria: Invitae Variant Classification Sherloc (09022015). Collection method: clinical testing. Allele origin: germline.
Comment: This sequence change creates a premature translational stop signal (p.Leu35Cysfs*28) in the FRAS1 gene. It is expected to result in an absent or disrupted protein product. Loss-of-function variants in FRAS1 are known to be pathogenic (PMID: 12766769, 18671281). This variant is not present in population databases (gnomAD no frequency). This variant has not been reported in the literature in individuals affected with FRAS1-related conditions. For these reasons, this variant has been classified as Pathogenic.

Literature cited by the submitters: PubMed 12766769 (cited by Labcorp Genetics (formerly Invitae), Labcorp); PubMed 18671281 (cited by Labcorp Genetics (formerly Invitae), Labcorp).